The following is an entry in ClinVar:

ClinVar aggregate classification (germline): Pathogenic (1 of 4 stars; one submission).

Conditions:
BAP1-related tumor predisposition syndrome (TPDS1). Also called: Tumor susceptibility linked to germline BAP1 mutations; COMMON Syndrome; TUMOR PREDISPOSITION SYNDROME 1; BAP1 tumor predisposition syndrome. Identifiers: Orphanet 289539, MedGen C3280492, MONDO:0013692, OMIM 614327.

Submission:

Labcorp Genetics (formerly Invitae), Labcorp
Classification: Pathogenic for BAP1-related tumor predisposition syndrome. Last evaluated: 2024-04-25. Review status: criteria provided, single submitter. Criteria: Invitae Variant Classification Sherloc (09022015). Collection method: clinical testing. Allele origin: germline.
Comment: This sequence change creates a premature translational stop signal (p.Phe22*) in the BAP1 gene. It is expected to result in an absent or disrupted protein product. Loss-of-function variants in BAP1 are known to be pathogenic (PMID: 21874000, 23684012). Information on the frequency of this variant in the gnomAD database is not available, as this variant may be reported differently in the database. This variant has not been reported in the literature in individuals affected with BAP1-related conditions. For these reasons, this variant has been classified as Pathogenic.

Literature cited by the submitters: PubMed 21874000; PubMed 23684012.

NM_004656.4(BAP1):c.65_66delinsAA (p.Phe22Ter)

Gene: BAP1 (BRCA1 associated deubiquitinase 1; minus strand). Cytogenetic location: 3p21.1.
Variant type: Indel.
Coding change: c.65_66delinsAA on transcript NM_004656.4 (MANE Select); coding-DNA positions 65 to 66, TC replaced by AA.
Protein change: p.Phe22Ter; replaces phenylalanine 22 with a stop codon.
Molecular consequence: nonsense.
Genome position (GRCh38, 1-based): chr3:52,409,715-52,409,716, GA replaced by TT on the plus strand (TC replaced by AA on the coding strand, the reverse complement: BAP1 is on the minus strand). VCF-style: chr3-52409715-GA-TT. GRCh37 (hg19) VCF-style: chr3-52443731-GA-TT.
Other names: c.65_66delinsAA, p.Phe22Ter (NM_001410772.1); short protein forms F22*.
Identifiers: ClinVar variation 2746084 (VCV002746084.3), dbSNP rs2471365895, ClinGen allele CA2697556708.